The following is an entry in ClinVar:

ClinVar aggregate classification (germline): Conflicting classifications of pathogenicity. Review status: criteria provided, conflicting classifications (1 of 4 stars). 11 submissions from 11 submitters: Uncertain significance (9); Likely benign (1). 1 of the submissions does not count toward it. Last evaluated 2026-01-29.

Conditions:
Inborn genetic diseases. Identifiers: MedGen C0950123, MeSH D030342.
Autosomal recessive limb-girdle muscular dystrophy. Identifiers: Orphanet 102015, MedGen C2931907, MONDO:0015152.
Neuromuscular disease caused by qualitative or quantitative defects of dysferlin. Also called: Dysferlinopathy; Qualitative or quantitative defects of dysferlin. Identifiers: Orphanet 207073, MedGen C2931687, MONDO:0016145.
Autosomal recessive limb-girdle muscular dystrophy type 2B (LGMDR2). Also called: MUSCULAR DYSTROPHY, LIMB-GIRDLE, TYPE 3; Limb-Girdle Muscular Dystrophy Type 2B (LGMD2B); MUSCULAR DYSTROPHY, LIMB-GIRDLE, AUTOSOMAL RECESSIVE 2; Limb-girdle muscular dystrophy, type 2B. Identifiers: Orphanet 268, MedGen C1850889, MONDO:0009676, OMIM 253601.

Allele frequency attached by ClinVar (database versions not stated): ExAC 0.00007; gnomAD exomes 0.00012; gnomAD 0.00014 and 0.00015; 1000 Genomes Project 30x 0.00016; 1000 Genomes Project 0.00020; TOPMed 0.00021; ESP Exome Variant Server 0.00038.
gnomAD v4.1: 521 of 1,614,172 alleles (0.032%); highest among the groups gnomAD compares: Non-Finnish European, 0.041%; 1 homozygote.

Submissions (12):

Labcorp Genetics (formerly Invitae), Labcorp
Classification: Likely benign for Neuromuscular disease caused by qualitative or quantitative defects of dysferlin. Last evaluated: 2026-01-29. Review status: criteria provided, single submitter. Criteria: Invitae Variant Classification Sherloc (09022015). Collection method: clinical testing. Allele origin: germline.

Myriad Genetics, Inc.
Classification: Uncertain significance for Autosomal recessive limb-girdle muscular dystrophy. Last evaluated: 2025-08-13. Review status: criteria provided, single submitter. Criteria: Myriad Autosomal Dominant, Autosomal Recessive and X-Linked Classification Criteria (2023). Collection method: clinical testing. Allele origin: unknown.
Comment: NM_003494.3(DYSF):c.5159G>A(R1720H) is a missense variant classified as a variant of uncertain significance in the context of dysferlinopathy. R1720H has been observed in a case with relevant disease (PMID: 39678382). Relevant functional assessments of this variant are not available in the literature. R1720H has been observed in referenced population frequency databases. In summary, there is insufficient evidence to classify NM_003494.3(DYSF):c.5159G>A(R1720H) as pathogenic or benign. Please note: this variant was assessed in the context of healthy population screening.

GeneDx
Classification: Uncertain significance. Last evaluated: 2025-07-01. Review status: criteria provided, single submitter. Criteria: GeneDx Variant Classification Process June 2021. Collection method: clinical testing. Allele origin: germline. Affected: yes.
Comment: In silico analysis suggests that this missense variant does not alter protein structure/function; Has not been previously published as pathogenic or benign to our knowledge; This variant is associated with the following publications: (PMID: 24438169)

Mayo Clinic Laboratories, Mayo Clinic
Classification: Uncertain significance. Last evaluated: 2025-02-27. Review status: criteria provided, single submitter. Criteria: ACMG Guidelines, 2015. Collection method: clinical testing. Allele origin: germline. Observed: 2 variant alleles.
Comment: BP4

Revvity Omics, Revvity
Classification: Uncertain significance. Last evaluated: 2024-10-23. Review status: criteria provided, single submitter. Criteria: ACMG Guidelines, 2015. Collection method: clinical testing. Allele origin: germline.

Blueprint Genetics
Classification: Uncertain significance. Last evaluated: 2024-07-11. Review status: criteria provided, single submitter. Criteria: ACMG Guidelines, 2015. Collection method: clinical testing. Allele origin: germline.

Ambry Genetics
Classification: Uncertain significance for Inborn genetic diseases. Last evaluated: 2023-03-20. Review status: criteria provided, single submitter. Criteria: Ambry Variant Classification Scheme 2023. Collection method: clinical testing. Allele origin: germline.

Athena Diagnostics
Classification: Uncertain significance. Last evaluated: 2018-03-26. Review status: criteria provided, single submitter. Criteria: Athena Diagnostics Criteria. Collection method: clinical testing. Allele origin: germline.

Illumina Laboratory Services, Illumina
Classification: Uncertain significance for Qualitative or quantitative defects of dysferlin. Last evaluated: 2018-01-13. Review status: criteria provided, single submitter. Criteria: ICSL Variant Classification Criteria 13 December 2019. Collection method: clinical testing. Allele origin: germline.

Eurofins Ntd Llc (ga)
Classification: Uncertain significance. Last evaluated: 2015-09-01. Review status: criteria provided, single submitter. Criteria: EGL Classification Definitions 2015. Collection method: clinical testing. Allele origin: germline. Observed: 1 variant allele, 1 heterozygote.

Natera, Inc.
Classification: Uncertain significance for Limb-girdle muscular dystrophy type 2B. Last evaluated: 2020-01-17. Review status: no assertion criteria provided. Collection method: clinical testing. Allele origin: germline. Not counted in ClinVar's aggregate classification.

Dr. Peter K. Rogan Lab, Western University
No classification provided (evidence only). Condition: Clear cell carcinoma of kidney. Review status: no classification provided. Collection method: in vitro. Allele origin: not applicable. Functional consequence: retained intron. Not counted in ClinVar's aggregate classification.

Literature cited by the submitters: PubMed 39678382 (cited by Myriad Genetics, Inc.).

NM_001130987.2(DYSF):c.5276G>A (p.Arg1759His)

Gene: DYSF (dysferlin; plus strand). Cytogenetic location: 2p13.2.
Variant type: single nucleotide variant.
Coding change: c.5276G>A on transcript NM_001130987.2 (MANE Select); coding-DNA position 5276, G replaced by A.
Protein change: p.Arg1759His; replaces arginine 1759 with histidine.
Molecular consequence: missense variant.
Genome position (GRCh38, 1-based): chr2:71,665,263, G>A. VCF-style: chr2-71665263-G-A. GRCh37 (hg19) VCF-style: chr2-71892393-G-A.
Other names: c.5162G>A, p.Arg1721His (NM_001130455.2); c.5117G>A, p.Arg1706His (NM_001130976.2); c.5180G>A, p.Arg1727His (NM_001130977.2); c.5222G>A, p.Arg1741His (NM_001130978.2); c.5252G>A, p.Arg1751His (NM_001130979.2); c.5210G>A, p.Arg1737His (NM_001130980.2); c.5273G>A, p.Arg1758His (NM_001130981.2); c.5255G>A, p.Arg1752His (NM_001130982.2); and 5 more; short protein forms R1720H, R1759H, R1727H, R1758H, R1706H, R1721H, R1737H, R1752H.
Identifiers: ClinVar variation 282885 (VCV000282885.33), dbSNP rs147678255, ClinGen allele CA1707309.
Genomic context (GRCh38, chr2:71,665,263, plus strand): 5'-AGCTCCTCCACCTCTTCTGCCAGCAGCATAGAGTCAAGGCACCTGTGTACCGGACAGACC[G>A]TGTAATGTTTCAGGATAAAGAATATTCCATTGAAGAGATAGGTGAGCTGCCACATGACCC-3'
Protein context (NP_001124459.1, residues 1749-1769): RVKAPVYRTD[Arg1759His]VMFQDKEYSI